The following is an entry in ClinVar:

NM_000760.4(CSF3R):c.2494_2495delinsAA (p.Ala832Lys)

Gene: CSF3R (colony stimulating factor 3 receptor; minus strand). Cytogenetic location: 1p34.3.
Variant type: Indel.
Coding change: c.2494_2495delinsAA on transcript NM_000760.4 (MANE Select); coding-DNA positions 2494 to 2495, GC replaced by AA.
Protein change: p.Ala832Lys; replaces alanine 832 with lysine.
Molecular consequence: missense variant. On other transcripts: intron variant (1).
Genome position (GRCh38, 1-based): chr1:36,466,373-36,466,374, GC replaced by TT on the plus strand (GC replaced by AA on the coding strand, the reverse complement: CSF3R is on the minus strand). VCF-style: chr1-36466373-GC-TT. GRCh37 (hg19) VCF-style: chr1-36931974-GC-TT.
Other names: c.2575_2576delinsAA, p.Ala859Lys (NM_156039.3); c.2248-174_2248-173delinsAA (NM_172313.3); short protein forms A832K, A859K.
Identifiers: ClinVar variation 1465651 (VCV001465651.6), dbSNP rs2124095140, ClinGen allele CA2573132245.

ClinVar aggregate classification (germline): Uncertain significance (1 of 4 stars; one submission).

Conditions:
Autosomal recessive severe congenital neutropenia due to CSF3R deficiency. Also called: Neutropenia, severe congenital, 7, autosomal recessive. Identifiers: Orphanet 420702, MedGen C4310764, MONDO:0014865, OMIM 617014.

Submission:

Labcorp Genetics (formerly Invitae), Labcorp
Classification: Uncertain significance for Autosomal recessive severe congenital neutropenia due to CSF3R deficiency. Last evaluated: 2025-05-12. Review status: criteria provided, single submitter. Criteria: Invitae Variant Classification Sherloc (09022015). Collection method: clinical testing. Allele origin: germline.
Comment: This sequence change replaces alanine, which is neutral and non-polar, with lysine, which is basic and polar, at codon 832 of the CSF3R protein (p.Ala832Lys). Information on the frequency of this variant in the gnomAD database is not available, as this variant may be reported differently in the database. This variant has not been reported in the literature in individuals affected with CSF3R-related conditions. ClinVar contains an entry for this variant (Variation ID: 1465651). An algorithm developed to predict the effect of missense changes on protein structure and function (PolyPhen-2) suggests that this variant is likely to be tolerated. In summary, the available evidence is currently insufficient to determine the role of this variant in disease. Therefore, it has been classified as a Variant of Uncertain Significance.